The following is an entry in ClinVar:

NM_001184880.2(PCDH19):c.2387C>T (p.Thr796Ile)

Genes: PCDH19 (protocadherin 19; minus strand), LOC125467768 (CDK7 strongly-dependent group 2 enhancer GRCh37_chrX:99657381-99658580; plus strand). Cytogenetic location: Xq22.1.
Variant type: single nucleotide variant.
Coding change: c.2387C>T on transcript NM_001184880.2 (MANE Select); coding-DNA position 2387, C replaced by T.
Protein change: p.Thr796Ile; replaces threonine 796 with isoleucine.
Molecular consequence: missense variant.
Genome position (GRCh38, 1-based): chrX:100,402,753, G>A on the plus strand (C>T on the coding strand, the complement: PCDH19 is on the minus strand). VCF-style: chrX-100402753-G-A. GRCh37 (hg19) VCF-style: chrX-99657751-G-A.
Other names: c.2246C>T, p.Thr749Ile (NM_001105243.2, NM_020766.3); short protein forms T749I, T796I.
Identifiers: ClinVar variation 863506 (VCV000863506.11), dbSNP rs1928228798, ClinGen allele CA414006008.

ClinVar aggregate classification (germline): Uncertain significance. Review status: criteria provided, multiple submitters, no conflicts (2 of 4 stars). 2 submissions from 2 submitters: Uncertain significance (2). Last evaluated 2022-09-07.

Conditions:
Developmental and epileptic encephalopathy, 9 (DEE9). Also called: Early infantile epileptic encephalopathy 9; EPILEPSY, FEMALE-RESTRICTED, WITH MENTAL RETARDATION; JUBERG-HELLMAN SYNDROME; PCDH19-Related X-Linked Female-Limited Epilepsy with Mental Retardation. Identifiers: Orphanet 101039, Orphanet 2076, MedGen C1848137, MONDO:0010246, OMIM 300088. Disease mechanism: loss of function.
Inborn genetic diseases. Identifiers: MedGen C0950123, MeSH D030342.

Submissions (2):

Labcorp Genetics (formerly Invitae), Labcorp
Classification: Uncertain significance for Developmental and epileptic encephalopathy, 9. Last evaluated: 2022-09-07. Review status: criteria provided, single submitter. Criteria: Invitae Variant Classification Sherloc (09022015). Collection method: clinical testing. Allele origin: germline.
Comment: This sequence change replaces threonine, which is neutral and polar, with isoleucine, which is neutral and non-polar, at codon 796 of the PCDH19 protein (p.Thr796Ile). This variant is not present in population databases (gnomAD no frequency). This variant has not been reported in the literature in individuals affected with PCDH19-related conditions. ClinVar contains an entry for this variant (Variation ID: 863506). Advanced modeling of protein sequence and biophysical properties (such as structural, functional, and spatial information, amino acid conservation, physicochemical variation, residue mobility, and thermodynamic stability) performed at Invitae indicates that this missense variant is not expected to disrupt PCDH19 protein function. In summary, the available evidence is currently insufficient to determine the role of this variant in disease. Therefore, it has been classified as a Variant of Uncertain Significance.

Ambry Genetics
Classification: Uncertain significance for Inborn genetic diseases. Last evaluated: 2021-03-02. Review status: criteria provided, single submitter. Criteria: Ambry Variant Classification Scheme 2023. Collection method: clinical testing. Allele origin: germline.
Comment: The c.2387C>T (p.T796I) alteration is located in exon 3 (coding exon 3) of the PCDH19 gene. This alteration results from a C to T substitution at nucleotide position 2387, causing the threonine (T) at amino acid position 796 to be replaced by an isoleucine (I). The p.T796I alteration is predicted to be tolerated by in silico analysis. Based on insufficient or conflicting evidence, the clinical significance of this alteration remains unclear.